The following is an entry in ClinVar:

NM_020533.3(MCOLN1):c.452G>A (p.Arg151His)

Gene: MCOLN1 (mucolipin TRP cation channel 1; plus strand). Cytogenetic location: 19p13.2.
Variant type: single nucleotide variant.
Coding change: c.452G>A on transcript NM_020533.3 (MANE Select); coding-DNA position 452, G replaced by A.
Protein change: p.Arg151His; replaces arginine 151 with histidine.
Molecular consequence: missense variant.
Genome position (GRCh38, 1-based): chr19:7,526,807, G>A. VCF-style: chr19-7526807-G-A. GRCh37 (hg19) VCF-style: chr19-7591693-G-A.
Other names: c.452G>A (NM_020533.2); short protein forms R151H.
Identifiers: ClinVar variation 1049590 (VCV001049590.5), dbSNP rs140148914, ClinGen allele CA9138743.

ClinVar aggregate classification (germline): Conflicting classifications of pathogenicity. Review status: criteria provided, conflicting classifications (1 of 4 stars). 3 submissions from 3 submitters: Uncertain significance (1); Likely benign (1). 1 of the submissions does not count toward it. Last evaluated 2025-04-02.

Conditions:
Mucolipidosis type IV (ML4). Also called: ML IV. Identifiers: Orphanet 578, MedGen C0238286, MONDO:0009653, OMIM 252650.
Inborn genetic diseases. Identifiers: MedGen C0950123, MeSH D030342.

Allele frequency attached by ClinVar (database versions not stated): ExAC 0.00006; ESP Exome Variant Server 0.00008.
gnomAD v4.1: 32 of 1,614,214 alleles (0.002%); highest among the groups gnomAD compares: South Asian, 0.011%; no homozygotes.

Submissions (3):

Ambry Genetics
Classification: Likely benign for Inborn genetic diseases. Last evaluated: 2025-04-02. Review status: criteria provided, single submitter. Criteria: Ambry Variant Classification Scheme 2023. Collection method: clinical testing. Allele origin: germline.

Labcorp Genetics (formerly Invitae), Labcorp
Classification: Uncertain significance for Mucolipidosis type IV. Last evaluated: 2024-02-16. Review status: criteria provided, single submitter. Criteria: Invitae Variant Classification Sherloc (09022015). Collection method: clinical testing. Allele origin: germline.
Comment: This sequence change replaces arginine, which is basic and polar, with histidine, which is basic and polar, at codon 151 of the MCOLN1 protein (p.Arg151His). This variant is present in population databases (rs140148914, gnomAD 0.01%). This variant has not been reported in the literature in individuals affected with MCOLN1-related conditions. ClinVar contains an entry for this variant (Variation ID: 1049590). Algorithms developed to predict the effect of missense changes on protein structure and function output the following: SIFT: "Not Available"; PolyPhen-2: "Benign"; Align-GVGD: "Not Available". The histidine amino acid residue is found in multiple mammalian species, which suggests that this missense change does not adversely affect protein function. In summary, the available evidence is currently insufficient to determine the role of this variant in disease. Therefore, it has been classified as a Variant of Uncertain Significance.

Department of Pathology and Laboratory Medicine, Sinai Health System
Classification: Uncertain significance. Review status: no assertion criteria provided. Collection method: clinical testing. Allele origin: unknown. Affected: yes. Study: The Canadian Open Genetics Repository (COGR). Not counted in ClinVar's aggregate classification.
Comment: The MCOLN1 p.Arg151His variant was not identified in the literature nor was it identified in the ClinVar or Cosmic databases. The variant was identified in dbSNP (ID: rs140148914), MutDB and LOVD 3.0. The variant was identified in control databases in 10 of 246228 chromosomes at a frequency of 0.000041 (Genome Aggregation Database Feb 27, 2017). The variant was observed in the following populations: South Asian in 3 of 30782 chromosomes (freq: 0.000097), European (Non-Finnish) in 6 of 111684 chromosomes (freq: 0.000054) and European (Finnish) in 1 of 22294 chromosomes (freq: 0.000045); it was not observed in the African, Ashkenazi Jewish, East Asian, Latino and other populations. The p.Arg151His residue is not conserved in mammals and four out of five computational analyses (PolyPhen-2, SIFT, AlignGVGD, BLOSUM) do not suggest a high likelihood of impact to the protein; however, this information is not predictive enough to rule out pathogenicity. In summary, based on the above information the clinical significance of this variant cannot be determined with certainty at this time. This variant is classified as a variant of uncertain significance.